The following is an entry in ClinVar:

NM_014809.4(KIAA0319):c.424A>C (p.Thr142Pro)

Gene: KIAA0319 (KIAA0319; minus strand). Cytogenetic location: 6p22.3.
Variant type: single nucleotide variant.
Coding change: c.424A>C on transcript NM_014809.4 (MANE Select); coding-DNA position 424, A replaced by C.
Protein change: p.Thr142Pro; replaces threonine 142 with proline.
Molecular consequence: missense variant. On other transcripts: intron variant (2).
Genome position (GRCh38, 1-based): chr6:24,596,250, T>G on the plus strand (A>C on the coding strand, the complement: KIAA0319 is on the minus strand). VCF-style: chr6-24596250-T-G. GRCh37 (hg19) VCF-style: chr6-24596478-T-G.
Other names: c.397A>C, p.Thr133Pro (NM_001168374.2); c.424A>C, p.Thr142Pro (NM_001168375.2, NM_001168377.2, NM_001350403.2 and 3 more transcripts); c.289A>C, p.Thr97Pro (NM_001168376.2, NM_001350406.2); c.406A>C, p.Thr136Pro (NM_001350404.2); c.-23-10A>C (NM_001350409.2, NM_001350410.2); short protein forms T133P, T136P, T142P, T97P.
Identifiers: ClinVar variation 3059261 (VCV003059261.2), dbSNP rs4576240, ClinGen allele CA3657847.

ClinVar aggregate classification (germline): Benign (0 of 4 stars; one submission).

Conditions:
KIAA0319-related disorder. Also called: KIAA0319-related condition.

Allele frequency attached by ClinVar (database versions not stated): ESP Exome Variant Server 0.90427; gnomAD 0.91400; ExAC 0.91441; TOPMed 0.91476; 1000 Genomes Project 30x 0.93832; 1000 Genomes Project 0.93990.
gnomAD v4.1: 1,464,599 of 1,614,112 alleles (91%); highest among the groups gnomAD compares: East Asian, 98%; 664,946 homozygotes.

Submission:

PreventionGenetics, part of Exact Sciences
Classification: Benign for KIAA0319-related condition. Last evaluated: 2019-10-17. Review status: no assertion criteria provided. Collection method: clinical testing. Allele origin: germline.
Comment: This variant is classified as benign based on ACMG/AMP sequence variant interpretation guidelines (Richards et al. 2015 PMID: 25741868, with internal and published modifications).